The following is an entry in ClinVar:

NM_152383.5(DIS3L2):c.2289+3G>A

Gene: DIS3L2 (DIS3 like 3'-5' exoribonuclease 2; plus strand). Cytogenetic location: 2q37.1.
Variant type: single nucleotide variant.
Coding change: c.2289+3G>A on transcript NM_152383.5 (MANE Select); 3 bases into the intron after coding-DNA position 2289, G replaced by A.
Molecular consequence: intron variant.
Genome position (GRCh38, 1-based): chr2:232,334,502, G>A. VCF-style: chr2-232334502-G-A. GRCh37 (hg19) VCF-style: chr2-233199212-G-A.
Other names: c.1582-8843G>A (NM_001257281.2).
Identifiers: ClinVar variation 1506199 (VCV001506199.6), dbSNP rs776875433, ClinGen allele CA2164474.

ClinVar aggregate classification (germline): Uncertain significance (1 of 4 stars; one submission).

Conditions:
Perlman syndrome (PRLMNS). Identifiers: Orphanet 2849, MedGen C0796113, MONDO:0009965, OMIM 267000.

Allele frequency attached by ClinVar (database versions not stated): gnomAD exomes below 0.00001; ExAC 0.00001.
gnomAD v4.1: 1 of 1,613,692 alleles (0.000062%); highest among the groups gnomAD compares: Admixed American, 0.0017%; no homozygotes.

Submission:

Labcorp Genetics (formerly Invitae), Labcorp
Classification: Uncertain significance for Perlman syndrome. Last evaluated: 2021-11-12. Review status: criteria provided, single submitter. Criteria: Invitae Variant Classification Sherloc (09022015). Collection method: clinical testing. Allele origin: germline.
Comment: The frequency data for this variant in the population databases is considered unreliable, as metrics indicate poor data quality at this position in the gnomAD database. In summary, the available evidence is currently insufficient to determine the role of this variant in disease. Therefore, it has been classified as a Variant of Uncertain Significance. Variants that disrupt the consensus splice site are a relatively common cause of aberrant splicing (PMID: 17576681, 9536098). Algorithms developed to predict the effect of sequence changes on RNA splicing suggest that this variant is not likely to affect RNA splicing. This variant has not been reported in the literature in individuals affected with DIS3L2-related conditions. This sequence change falls in intron 18 of the DIS3L2 gene. It does not directly change the encoded amino acid sequence of the DIS3L2 protein. It affects a nucleotide within the consensus splice site.

Literature cited by the submitters: PubMed 17576681; PubMed 9536098.